The following is an entry in ClinVar:

ClinVar aggregate classification (germline): Uncertain significance (1 of 4 stars; one submission).

Allele frequency attached by ClinVar (database versions not stated): TOPMed 0.00001; gnomAD 0.00002.
gnomAD v4.1: 5 of 1,614,050 alleles (0.00031%); highest among the groups gnomAD compares: Admixed American, 0.0033%; no homozygotes.

Submission:

GeneDx
Classification: Uncertain significance. Last evaluated: 2022-03-22. Review status: criteria provided, single submitter. Criteria: GeneDx Variant Classification Process June 2021. Collection method: clinical testing. Allele origin: germline. Affected: yes.
Comment: Not observed at significant frequency in large population cohorts (gnomAD); In silico analysis supports that this missense variant has a deleterious effect on protein structure/function; Has not been previously published as pathogenic or benign to our knowledge

NM_018489.3(ASH1L):c.3317C>T (p.Pro1106Leu)

Gene: ASH1L (ASH1 like histone lysine methyltransferase; minus strand). Cytogenetic location: 1q22.
Variant type: single nucleotide variant.
Coding change: c.3317C>T on transcript NM_018489.3 (MANE Select); coding-DNA position 3317, C replaced by T.
Protein change: p.Pro1106Leu; replaces proline 1106 with leucine.
Molecular consequence: missense variant.
Genome position (GRCh38, 1-based): chr1:155,479,553, G>A on the plus strand (C>T on the coding strand, the complement: ASH1L is on the minus strand). VCF-style: chr1-155479553-G-A. GRCh37 (hg19) VCF-style: chr1-155449344-G-A.
Other names: c.3317C>T, p.Pro1106Leu (NM_001366177.2); short protein forms P1106L.
Identifiers: ClinVar variation 1707013 (VCV001707013.2), dbSNP rs1466028599, ClinGen allele CA342712503.
Genomic context (GRCh38, chr1:155,479,553, plus strand): 5'-CCTGCATCACTACTTACAGGGCTCTGACCTCCACTAGTCCCAGAAGACTGAGAGCAAATA[G>A]GTGATGGAAGAATCTCAGAACTACTAGCAGATGAAGGCAGTAATGGGGGAAGAATCTGTC-3'
Protein context (NP_060959.2, residues 1096-1116): SASSSEILPS[Pro1106Leu]ICSQSSGTSG